The following is an entry in ClinVar:

ClinVar aggregate classification (germline): Conflicting classifications of pathogenicity. Review status: criteria provided, conflicting classifications (1 of 4 stars). 5 submissions from 5 submitters: Uncertain significance (2); Likely benign (3). Last evaluated 2025-08-20.

Conditions:
Hereditary cancer-predisposing syndrome. Also called: Hereditary neoplastic syndrome; Tumor predisposition; Neoplastic Syndromes, Hereditary; Hereditary Cancer Syndrome. Identifiers: Orphanet 140162, MedGen C0027672, MeSH D009386, MONDO:0015356.
Familial thoracic aortic aneurysm and aortic dissection (TAAD). Also called: Thoracic aortic aneurysms and dissections. Identifiers: Orphanet 91387, MedGen C4707243, MONDO:0019625.
Juvenile polyposis syndrome (JPS). Identifiers: Orphanet 2929, MedGen C0345893, MONDO:0017380, OMIM 174900.
Juvenile polyposis/hereditary hemorrhagic telangiectasia syndrome (JPHT). Also called: Juvenile Polyposis Syndrome / Hereditary Hemorrhagic Telangiectasia (JPS/HHT); JP/HHT SYNDROME; JUVENILE POLYPOSIS WITH HEREDITARY HEMORRHAGIC TELANGIECTASIA; POLYPOSIS, GENERALIZED JUVENILE, WITH PULMONARY ARTERIOVENOUS MALFORMATION; TELANGIECTASIA, HEREDITARY HEMORRHAGIC, WITH JUVENILE POLYPOSIS COLI. Identifiers: Orphanet 2929, MedGen C1832942, MONDO:0008278, OMIM 175050.

Allele frequency attached by ClinVar (database versions not stated): TOPMed below 0.00001; ExAC 0.00001; gnomAD 0.00001; gnomAD exomes 0.00001.
gnomAD v4.1: 15 of 1,610,568 alleles (0.00093%); highest among the groups gnomAD compares: Non-Finnish European, 0.0011%; no homozygotes.

Submissions (5):

Color Diagnostics, LLC DBA Color Health
Classification: Likely benign for Hereditary cancer-predisposing syndrome. Last evaluated: 2025-08-20. Review status: criteria provided, single submitter. Criteria: ACMG Guidelines, 2015. Collection method: clinical testing. Allele origin: germline.

Labcorp Genetics (formerly Invitae), Labcorp
Classification: Likely benign for Juvenile polyposis syndrome. Last evaluated: 2025-06-27. Review status: criteria provided, single submitter. Criteria: Invitae Variant Classification Sherloc (09022015). Collection method: clinical testing. Allele origin: germline.

All of Us Research Program, National Institutes of Health
Classification: Uncertain significance for Juvenile polyposis/hereditary hemorrhagic telangiectasia syndrome. Last evaluated: 2023-10-02. Review status: criteria provided, single submitter. Criteria: ACMG Guidelines, 2015. Collection method: clinical testing. Allele origin: germline. Inheritance: Autosomal dominant inheritance. Observed: 2 variant alleles, 2 heterozygotes.
Comment: This variant causes a T to C nucleotide substitution at the +6 position of intron 3 of the SMAD4 gene. To our knowledge, functional studies have not been reported for this variant. This variant has not been reported in individuals affected with hereditary cancer in the literature. This variant has been identified in 3/251232 chromosomes in the general population by the Genome Aggregation Database (gnomAD). The available evidence is insufficient to determine the role of this variant in disease conclusively. Therefore, this variant is classified as a Variant of Uncertain Significance.

This study involves interpretation of variants in research participants for the purpose of population health screening. Participant phenotype was not available at the time of variant classification. Additional details can be found in publication PMID: 35346344, PMCID: PMC8962531

Ambry Genetics
Classification: Uncertain significance for Hereditary cancer-predisposing syndrome; Familial thoracic aortic aneurysm and aortic dissection. Last evaluated: 2022-03-15. Review status: criteria provided, single submitter. Criteria: Ambry Variant Classification Scheme 2023. Collection method: clinical testing. Allele origin: germline.
Comment: The c.424+6T>C intronic alteration consists of a T to C substitution 6 nucleotides after exon 3 (coding exon 2) of the SMAD4 gene. Based on insufficient or conflicting evidence, the clinical significance of this alteration remains unclear.

GeneDx
Classification: Likely benign. Last evaluated: 2017-05-18. Review status: criteria provided, single submitter. Criteria: GeneDx Variant Classification (06012015). Collection method: clinical testing. Allele origin: germline. Affected: yes.
Comment: This variant is considered likely benign or benign based on one or more of the following criteria: it is a conservative change, it occurs at a poorly conserved position in the protein, it is predicted to be benign by multiple in silico algorithms, and/or has population frequency not consistent with disease.

NM_005359.6(SMAD4):c.424+6T>C

Gene: SMAD4 (SMAD family member 4; plus strand). Cytogenetic location: 18q21.2.
Variant type: single nucleotide variant.
Coding change: c.424+6T>C on transcript NM_005359.6 (MANE Select); 6 bases into the intron after coding-DNA position 424, T replaced by C.
Molecular consequence: intron variant.
Genome position (GRCh38, 1-based): chr18:51,048,866, T>C. VCF-style: chr18-51048866-T-C. GRCh37 (hg19) VCF-style: chr18-48575236-T-C.
Identifiers: ClinVar variation 492479 (VCV000492479.17), dbSNP rs771456293, ClinGen allele CA8965780.